The following is an entry in ClinVar:

NM_001197104.2(KMT2A):c.2214_2218dup (p.Val740fs)

Gene: KMT2A (lysine methyltransferase 2A; plus strand). Cytogenetic location: 11q23.3.
Variant type: Microsatellite.
Coding change: c.2214_2218dup on transcript NM_001197104.2 (MANE Select); coding-DNA positions 2214 to 2218, 5 bases duplicated (AAAAG; older notation c.2214_2218dupAAAAG).
Protein change: p.Val740fs; shifts the reading frame from valine 740.
Molecular consequence: frameshift variant.
Genome position (GRCh38, 1-based): chr11:118,473,373-118,473,377, AAAAG duplicated; duplicating any 5 consecutive bases within chr11:118,473,367-118,473,377 gives the same sequence; the c. name uses the placement nearest the transcript's 3' end. VCF-style (leftmost placement, unchanged base first): chr11-118473366-G-GGAAAA. GRCh37 (hg19) VCF-style: chr11-118344081-G-GGAAAA.
Other names: c.2214_2218dup, p.Val740fs (NM_005933.4); short protein forms V740fs.
Identifiers: ClinVar variation 1333227 (VCV001333227.1), dbSNP rs2134266780, ClinGen allele CA2580615093.

ClinVar aggregate classification (germline): Likely pathogenic (1 of 4 stars; one submission).

Conditions:
Wiedemann-Steiner syndrome (WDSTS). Also called: Growth deficiency and mental retardation with facial dysmorphism. Identifiers: Orphanet 319182, MedGen C1854630, MONDO:0011518, OMIM 605130.

Submission:

3billion
Classification: Likely pathogenic for Wiedemann-Steiner syndrome. Last evaluated: 2022-01-03. Review status: criteria provided, single submitter. Criteria: ACMG Guidelines, 2015. Collection method: clinical testing. Allele origin: germline. Affected: yes. Observed: 1 heterozygote.
Comment: Frameshift: predicted to result in a loss or disruption of normal protein function through nonsense-mediated decay (NMD) or protein truncation. Multiple pathogenic variants are reported downstream of the variant (PVS1_VS). It is not observed in the gnomAD v2.1.1 dataset (PM2_M). Therefore, this variant is classified as likely pathogenic according to the recommendation of ACMG/AMP guideline.